The following is an entry in ClinVar:

NM_032237.5(POMK):c.1006G>A (p.Asp336Asn)

Gene: POMK (protein O-mannose kinase; plus strand). Cytogenetic location: 8p11.21.
Variant type: single nucleotide variant.
Coding change: c.1006G>A on transcript NM_032237.5 (MANE Select); coding-DNA position 1006, G replaced by A.
Protein change: p.Asp336Asn; replaces aspartic acid 336 with asparagine.
Molecular consequence: missense variant.
Genome position (GRCh38, 1-based): chr8:43,122,830, G>A. VCF-style: chr8-43122830-G-A. GRCh37 (hg19) VCF-style: chr8-42977973-G-A.
Other names: c.1006G>A, p.Asp336Asn (NM_001277971.2); short protein forms D336N.
Identifiers: ClinVar variation 474187 (VCV000474187.19), dbSNP rs113361507, ClinGen allele CA4736391.

ClinVar aggregate classification (germline): Benign/Likely benign. Review status: criteria provided, multiple submitters, no conflicts (2 of 4 stars). 5 submissions from 5 submitters: Benign (2); Likely benign (2). 1 of the submissions does not count toward it. Last evaluated 2026-04-01.

Conditions:
Limb-girdle muscular dystrophy due to POMK deficiency. Also called: Muscular dystrophy-dystroglycanopathy (limb-girdle), type c, 12; MUSCULAR DYSTROPHY-DYSTROGLYCANOPATHY, LIMB-GIRDLE, POMK-RELATED. Identifiers: Orphanet 445110, MedGen C4015184, MONDO:0014489, OMIM 616094.
Muscular dystrophy-dystroglycanopathy (congenital with brain and eye anomalies), type a, 12 (MDDGA12). Also called: WALKER-WARBURG SYNDROME OR MUSCLE-EYE-BRAIN DISEASE, POMK-RELATED. Identifiers: Orphanet 899, MedGen C3808964, MONDO:0014101, OMIM 615249.
POMK-related disorder. Also called: POMK-related condition.

Allele frequency attached by ClinVar (database versions not stated): gnomAD exomes 0.00077 and 0.00169; ExAC 0.00195; ESP Exome Variant Server 0.00208; gnomAD 0.00226 and 0.00253; TOPMed 0.00232; 1000 Genomes Project 30x 0.00609; 1000 Genomes Project 0.00639.
gnomAD v4.1: 1,516 of 1,613,846 alleles (0.094%); highest among the groups gnomAD compares: South Asian, 0.94%; 18 homozygotes.

Submissions (5):

CeGaT Center for Human Genetics Tuebingen
Classification: Likely benign. Last evaluated: 2026-04-01. Review status: criteria provided, single submitter. Criteria: CeGaT Center For Human Genetics Tuebingen Variant Classification Criteria Version 2. Collection method: clinical testing. Allele origin: germline. Affected: yes. Observed: 1 variant allele.
Comment: POMK: BP4, BS2

Labcorp Genetics (formerly Invitae), Labcorp
Classification: Benign for Muscular dystrophy-dystroglycanopathy (congenital with brain and eye anomalies), type a, 12; Limb-girdle muscular dystrophy due to POMK deficiency. Last evaluated: 2026-01-20. Review status: criteria provided, single submitter. Criteria: Invitae Variant Classification Sherloc (09022015). Collection method: clinical testing. Allele origin: germline.

GeneDx
Classification: Benign. Last evaluated: 2021-04-28. Review status: criteria provided, single submitter. Criteria: GeneDx Variant Classification Process June 2021. Collection method: clinical testing. Allele origin: germline. Affected: yes.

Genetic Services Laboratory, University of Chicago
Classification: Likely benign. Last evaluated: 2019-07-22. Review status: criteria provided, single submitter. Criteria: ACMG Guidelines, 2015. Collection method: clinical testing. Allele origin: germline. Affected: no.

PreventionGenetics, part of Exact Sciences
Classification: Benign for POMK-related condition. Last evaluated: 2020-02-26. Review status: no assertion criteria provided. Collection method: clinical testing. Allele origin: germline. Not counted in ClinVar's aggregate classification.
Comment: This variant is classified as benign based on ACMG/AMP sequence variant interpretation guidelines (Richards et al. 2015 PMID: 25741868, with internal and published modifications).